The following is an entry in ClinVar:

NM_000606.3(C8G):c.462G>A (p.Ser154=)

Gene: C8G (complement C8 gamma chain; plus strand). Cytogenetic location: 9q34.3.
Variant type: single nucleotide variant.
Coding change: c.462G>A on transcript NM_000606.3 (MANE Select); coding-DNA position 462, G replaced by A.
Protein change: p.Ser154=; no amino-acid change (serine 154 retained).
Molecular consequence: synonymous variant.
Genome position (GRCh38, 1-based): chr9:136,946,472, G>A. VCF-style: chr9-136946472-G-A. GRCh37 (hg19) VCF-style: chr9-139840924-G-A.
Identifiers: ClinVar variation 3048877 (VCV003048877.2), dbSNP rs1486354585, ClinGen allele CA467771206.

ClinVar aggregate classification (germline): Likely benign (0 of 4 stars; one submission).

Conditions:
C8G-related disorder. Also called: C8G-related condition.

Allele frequency attached by ClinVar (database versions not stated): gnomAD 0.00001; gnomAD exomes 0.00001; TOPMed 0.00002.
gnomAD v4.1: 13 of 1,605,006 alleles (0.00081%); highest among the groups gnomAD compares: East Asian, 0.0045%; no homozygotes.

Submission:

PreventionGenetics, part of Exact Sciences
Classification: Likely benign for C8G-related condition. Last evaluated: 2019-11-25. Review status: no assertion criteria provided. Collection method: clinical testing. Allele origin: germline.
Comment: This variant is classified as likely benign based on ACMG/AMP sequence variant interpretation guidelines (Richards et al. 2015 PMID: 25741868, with internal and published modifications).